The following is an entry in ClinVar:

NM_001040142.2(SCN2A):c.4394T>G (p.Leu1465Trp)

Gene: SCN2A (sodium voltage-gated channel alpha subunit 2; plus strand). Cytogenetic location: 2q24.3.
Variant type: single nucleotide variant.
Coding change: c.4394T>G on transcript NM_001040142.2 (MANE Select); coding-DNA position 4394, T replaced by G.
Protein change: p.Leu1465Trp; replaces leucine 1465 with tryptophan.
Molecular consequence: missense variant.
Genome position (GRCh38, 1-based): chr2:165,380,677, T>G. VCF-style: chr2-165380677-T-G. GRCh37 (hg19) VCF-style: chr2-166237187-T-G.
Other names: p.L1465W:TTG>TGG; c.4394T>G, p.Leu1465Trp (NM_001040143.2, NM_001371246.1, NM_001371247.1 and 1 more transcripts); short protein forms L1465W.
Identifiers: ClinVar variation 207005 (VCV000207005.2), dbSNP rs796053143, ClinGen allele CA317976.

ClinVar aggregate classification (germline): Likely pathogenic (1 of 4 stars; one submission).

Submission:

GeneDx
Classification: Likely pathogenic. Last evaluated: 2013-05-02. Review status: criteria provided, single submitter. Criteria: GeneDx Variant Classification (06012015). Collection method: clinical testing. Allele origin: germline. Affected: yes.
Comment: p.Leu1465Trp (TTG>TGG): c.4394 T>G in exon 24 of the SCN2A gene (NM_021007.2). The Leu1465Trp missense change has not been published as a mutation, nor has it been reported as a benign polymorphism to our knowledge. It was not observed in approximately 6,500 individuals of European and African American ancestry in the NHLBI Exome Sequencing Project, indicating it is not a common benign variant in these populations. Although Leucine and Tryptophan are uncharged, non-polar amino acid residues, Tryptophan is a larger residue with an aromatic side chain. Leu1465Trp alters a highly conserved position in the S6 segment in the third transmembrane domain of the SCN2A protein and another missense mutation at a nearby codon (Ile1473Met) has been reported as a de novo mutation in an individual with sporadic neonatal epileptic encephalopathy, that was categorized as unclassified generalized epilepsy (Ogiwara et al., 2009). In addition, multiple in-silico algorithms predict Leu1465Trp is damaging to the structure/function of the protein. Therefore, based on the currently available information, Leu1465Trp is a strong candidate for a disease-causing mutation, although the possibility that it is a benign variant cannot be excluded. The variant is found in EPILEPSY panel(s).